The following is an entry in ClinVar:

NM_022765.4(MICAL1):c.533G>T (p.Gly178Val)

Gene: MICAL1 (microtubule associated monooxygenase, calponin and LIM domain containing 1; minus strand). Cytogenetic location: 6q21.
Variant type: single nucleotide variant.
Coding change: c.533G>T on transcript NM_022765.4 (MANE Select); coding-DNA position 533, G replaced by T.
Protein change: p.Gly178Val; replaces glycine 178 with valine.
Molecular consequence: missense variant.
Genome position (GRCh38, 1-based): chr6:109,453,301, C>A on the plus strand (G>T on the coding strand, the complement: MICAL1 is on the minus strand). VCF-style: chr6-109453301-C-A. GRCh37 (hg19) VCF-style: chr6-109774504-C-A.
Other names: c.533G>T, p.Gly178Val (NM_001159291.2); c.590G>T, p.Gly197Val (NM_001286613.2); short protein forms G178V, G197V.
Identifiers: ClinVar variation 2855825 (VCV002855825.3), dbSNP rs745840649, ClinGen allele CA3953744.

ClinVar aggregate classification (germline): Uncertain significance (1 of 4 stars; one submission).

gnomAD v4.1: 5 of 1,614,070 alleles (0.00031%); highest among the groups gnomAD compares: South Asian, 0.0055%; no homozygotes.

Submission:

Labcorp Genetics (formerly Invitae), Labcorp
Classification: Uncertain significance. Last evaluated: 2023-10-10. Review status: criteria provided, single submitter. Criteria: Invitae Variant Classification Sherloc (09022015). Collection method: clinical testing. Allele origin: germline.
Comment: This sequence change replaces glycine, which is neutral and non-polar, with valine, which is neutral and non-polar, at codon 197 of the MICAL1 protein (p.Gly197Val). This variant is present in population databases (rs745840649, gnomAD 0.006%). This variant has not been reported in the literature in individuals affected with MICAL1-related conditions. An algorithm developed to predict the effect of missense changes on protein structure and function (PolyPhen-2) suggests that this variant is likely to be disruptive. In summary, the available evidence is currently insufficient to determine the role of this variant in disease. Therefore, it has been classified as a Variant of Uncertain Significance.